The following is an entry in ClinVar:

NM_000053.4(ATP7B):c.4258G>T (p.Asp1420Tyr)

Gene: ATP7B (ATPase copper transporting beta; minus strand). Cytogenetic location: 13q14.3.
Variant type: single nucleotide variant.
Coding change: c.4258G>T on transcript NM_000053.4 (MANE Select); coding-DNA position 4258, G replaced by T.
Protein change: p.Asp1420Tyr; replaces aspartic acid 1420 with tyrosine.
Molecular consequence: missense variant.
Genome position (GRCh38, 1-based): chr13:51,934,896, C>A on the plus strand (G>T on the coding strand, the complement: ATP7B is on the minus strand). VCF-style: chr13-51934896-C-A. GRCh37 (hg19) VCF-style: chr13-52509032-C-A.
Other names: c.3637G>T, p.Asp1213Tyr (NM_001005918.3); c.3925G>T, p.Asp1309Tyr (NM_001243182.2); c.4024G>T, p.Asp1342Tyr (NM_001330578.2, NM_001406527.1, NM_001406528.1); c.4006G>T, p.Asp1336Tyr (NM_001330579.2, NM_001406531.1, NM_001406532.1); c.4258G>T, p.Asp1420Tyr (NM_001406511.1, NM_001406512.1); c.4252G>T, p.Asp1418Tyr (NM_001406513.1); c.4225G>T, p.Asp1409Tyr (NM_001406514.1); c.4204G>T, p.Asp1402Tyr (NM_001406515.1, NM_001406516.1); and 21 more; short protein forms D1139Y, D1193Y, D1204Y, D1213Y, D1226Y, D1256Y, D1258Y, D1271Y.
Identifiers: ClinVar variation 3893864 (VCV003893864.1).

ClinVar aggregate classification (germline): Uncertain significance (1 of 4 stars; one submission).

Conditions:
Wilson disease (WND). Also called: Wilson's disease. Identifiers: Orphanet 905, MedGen C0019202, MONDO:0010200, OMIM 277900. Disease mechanism: loss of function.

gnomAD v4.1: 2 of 1,614,044 alleles (0.00012%); highest among the groups gnomAD compares: Non-Finnish European, 0.00017%; no homozygotes.

Submission:

Color Diagnostics, LLC DBA Color Health
Classification: Uncertain significance for Wilson disease. Last evaluated: 2023-06-28. Review status: criteria provided, single submitter. Criteria: ACMG Guidelines, 2015. Collection method: clinical testing. Allele origin: germline.
Comment: This missense variant replaces aspartic acid with tyrosine at codon 1420 of the ATP7B protein. Computational prediction suggests that this variant may have deleterious impact on protein structure and function (internally defined REVEL score threshold >= 0.7, PMID: 27666373). To our knowledge, functional studies have not been reported for this variant. This variant has not been reported in individuals affected with ATP7B-related disorders in the literature. This variant has not been identified in the general population by the Genome Aggregation Database (gnomAD). The available evidence is insufficient to determine the role of this variant in disease conclusively. Therefore, this variant is classified as a Variant of Uncertain Significance.